The following is an entry in ClinVar:

NM_003072.5(SMARCA4):c.4425-1G>A

Gene: SMARCA4 (SWI/SNF related BAF chromatin remodeling complex subunit ATPase 4; plus strand). Cytogenetic location: 19p13.2.
Variant type: single nucleotide variant.
Coding change: c.4425-1G>A on transcript NM_003072.5 (MANE Select); the canonical splice acceptor site of the intron before coding-DNA position 4425, G replaced by A.
Molecular consequence: splice acceptor variant. On other transcripts: intron variant (2).
Genome position (GRCh38, 1-based): chr19:11,058,254, G>A. VCF-style: chr19-11058254-G-A. GRCh37 (hg19) VCF-style: chr19-11168930-G-A.
Other names: c.4425-1G>A (NM_001128844.3); c.4521-1G>A (NM_001128849.3, NM_001387283.1); c.4326-1G>A (NM_001128847.4, NM_001374457.1); c.4422-1G>A (NM_001411150.1); c.4335-1G>A (NM_001128845.2); c.4335-4G>A (NM_001128846.2); c.4326-4G>A (NM_001128848.2).
Identifiers: ClinVar variation 854232 (VCV000854232.10), dbSNP rs766881255, ClinGen allele CA305298504.

ClinVar aggregate classification (germline): Uncertain significance (1 of 4 stars; one submission).

Conditions:
Rhabdoid tumor predisposition syndrome 2 (RTPS2). Identifiers: Orphanet 231108, Orphanet 69077, MedGen C2750074, MONDO:0013224, OMIM 613325.

Submission:

Labcorp Genetics (formerly Invitae), Labcorp
Classification: Uncertain significance for Rhabdoid tumor predisposition syndrome 2. Last evaluated: 2019-12-05. Review status: criteria provided, single submitter. Criteria: Invitae Variant Classification Sherloc (09022015). Collection method: clinical testing. Allele origin: germline.
Comment: This variant is not present in population databases (ExAC no frequency). This variant has not been reported in the literature in individuals with SMARCA4-related conditions. This sequence change affects an acceptor splice site in intron 31 of the SMARCA4 gene. It may disrupt RNA splicing and result in an absent or disrupted protein product. In summary, the available evidence is currently insufficient to determine the role of this variant in disease. Therefore, it has been classified as a Variant of Uncertain Significance. Donor and acceptor splice site variants typically lead to a loss of protein function (PMID: 16199547), and loss-of-function variants in SMARCA4 are known to be pathogenic (PMID: 24658001, 24658002). Algorithms developed to predict the effect of sequence changes on RNA splicing suggest that this variant may disrupt the consensus splice site, and lead to utilization of a cryptic splice site located 3 nucleotides downstream. Use of this splice site would lead to an in-frame loss of 1 amino acid, but would otherwise preserve the integrity of the reading frame. This prediction has not been confirmed by published transcriptional studies, but suggests that the clinical significance of this splice variant may be uncertain.

Literature cited by the submitters: PubMed 16199547; PubMed 24658001; PubMed 24658002.